The following is an entry in ClinVar:

ClinVar aggregate classification (germline): Uncertain significance (1 of 4 stars; one submission).

Submission:

GeneDx
Classification: Uncertain significance. Last evaluated: 2026-02-24. Review status: criteria provided, single submitter. Criteria: GeneDx Variant Classification Process June 2021. Collection method: clinical testing. Allele origin: germline.
Comment: Not observed at significant frequency in large population cohorts (gnomAD); In silico analysis supports that this missense variant has a deleterious effect on protein structure/function; Has not been previously published as pathogenic or benign to our knowledge

NM_006386.5(DDX17):c.1078C>T (p.Pro360Ser)

Gene: DDX17 (DEAD-box helicase 17; minus strand). Cytogenetic location: 22q13.1.
Variant type: single nucleotide variant.
Coding change: c.1078C>T on transcript NM_006386.5 (MANE Select); coding-DNA position 1078, C replaced by T.
Protein change: p.Pro360Ser; replaces proline 360 with serine.
Molecular consequence: missense variant.
Genome position (GRCh38, 1-based): chr22:38,494,766, G>A on the plus strand (C>T on the coding strand, the complement: DDX17 is on the minus strand). VCF-style: chr22-38494766-G-A. GRCh37 (hg19) VCF-style: chr22-38890771-G-A.
Other names: c.1078C>T, p.Pro360Ser (NM_001098504.2); short protein forms P360S.
Identifiers: ClinVar variation 5008241 (VCV005008241.1).